The following is an entry in ClinVar:

NM_013322.3(SNX10):c.251A>G (p.Asn84Ser)

Gene: SNX10 (sorting nexin 10; plus strand). Cytogenetic location: 7p15.2.
Variant type: single nucleotide variant.
Coding change: c.251A>G on transcript NM_013322.3 (MANE Select); coding-DNA position 251, A replaced by G.
Protein change: p.Asn84Ser; replaces asparagine 84 with serine.
Molecular consequence: missense variant. On other transcripts: 5 prime UTR variant (1).
Genome position (GRCh38, 1-based): chr7:26,365,085, A>G. VCF-style: chr7-26365085-A-G. GRCh37 (hg19) VCF-style: chr7-26404705-A-G.
Other names: c.251A>G, p.Asn84Ser (NM_001199835.1, NM_001318199.3); c.242A>G, p.Asn81Ser (NM_001199837.3); c.-2A>G (NM_001199838.2); c.329A>G, p.Asn110Ser (NM_001318198.1, NM_001362753.1, NM_001362754.1); short protein forms N110S, N81S, N84S.
Identifiers: ClinVar variation 1926821 (VCV001926821.2), dbSNP rs773087098, ClinGen allele CA4195214.

ClinVar aggregate classification (germline): Uncertain significance (1 of 4 stars; one submission).

Allele frequency attached by ClinVar (database versions not stated): ExAC 0.00001; gnomAD 0.00001; gnomAD exomes 0.00001; TOPMed 0.00001.
gnomAD v4.1: 10 of 1,613,108 alleles (0.00062%); highest among the groups gnomAD compares: Middle Eastern, 0.016%; no homozygotes.

Submission:

Labcorp Genetics (formerly Invitae), Labcorp
Classification: Uncertain significance. Last evaluated: 2021-12-22. Review status: criteria provided, single submitter. Criteria: Invitae Variant Classification Sherloc (09022015). Collection method: clinical testing. Allele origin: germline.
Comment: This sequence change replaces asparagine, which is neutral and polar, with serine, which is neutral and polar, at codon 84 of the SNX10 protein (p.Asn84Ser). This variant is present in population databases (rs773087098, gnomAD 0.01%). This variant has not been reported in the literature in individuals affected with SNX10-related conditions. Algorithms developed to predict the effect of missense changes on protein structure and function (SIFT, PolyPhen-2, Align-GVGD) all suggest that this variant is likely to be tolerated. Algorithms developed to predict the effect of sequence changes on RNA splicing suggest that this variant may create or strengthen a splice site. In summary, the available evidence is currently insufficient to determine the role of this variant in disease. Therefore, it has been classified as a Variant of Uncertain Significance.